The following is an entry in ClinVar:

NM_001386795.1(DTNA):c.603+45G>C

Gene: DTNA (dystrobrevin alpha; plus strand). Cytogenetic location: 18q12.1.
Variant type: single nucleotide variant.
Coding change: c.603+45G>C on transcript NM_001386795.1 (MANE Select); 45 bases into the intron after coding-DNA position 603, G replaced by C.
Molecular consequence: intron variant.
Genome position (GRCh38, 1-based): chr18:34,812,158, G>C. VCF-style: chr18-34812158-G-C. GRCh37 (hg19) VCF-style: chr18-32392122-G-C.
Other names: c.603+45G>C (NM_032975.4, NM_001386761.1, NM_001386762.1 and 35 more transcripts).
Identifiers: ClinVar variation 4884163 (VCV004884163.2).

ClinVar aggregate classification (germline): Likely benign (1 of 4 stars; one submission).

Conditions:
Left ventricular noncompaction 1 (LVNC1). Also called: LEFT VENTRICULAR NONCOMPACTION 1 WITH OR WITHOUT CONGENITAL HEART DEFECTS. Identifiers: Orphanet 54260, MedGen C1858725, MONDO:0011403, OMIM 604169.

gnomAD v4.1: 1,817 of 1,612,550 alleles (0.11%); highest among the groups gnomAD compares: Middle Eastern, 0.5%; 1 homozygote.

Submission:

Dasa
Classification: Likely benign for Left ventricular noncompaction 1. Last evaluated: 2025-12-12. Review status: criteria provided, single submitter. Criteria: DASA Assertion Criteria. Collection method: clinical testing. Allele origin: germline.
Comment: NM_001386795.1(DTNA):c.603+45G>C is an intronic variant. Population frequency is inconsistent with a disease-causing role for this variant, and the variant context is inconsistent with a known disease-causing mechanism. Therefore, based on the currently available evidence, this variant is classified as likely benign.